The following is an entry in ClinVar:

NM_001375808.2(LPIN2):c.1550G>A (p.Arg517His)

Gene: LPIN2 (lipin 2; minus strand). Cytogenetic location: 18p11.31.
Variant type: single nucleotide variant.
Coding change: c.1550G>A on transcript NM_001375808.2 (MANE Select); coding-DNA position 1550, G replaced by A.
Protein change: p.Arg517His; replaces arginine 517 with histidine.
Molecular consequence: missense variant.
Genome position (GRCh38, 1-based): chr18:2,929,065, C>T on the plus strand (G>A on the coding strand, the complement: LPIN2 is on the minus strand). VCF-style: chr18-2929065-C-T. GRCh37 (hg19) VCF-style: chr18-2929063-C-T.
Other names: c.1550G>A, p.Arg517His (NM_001375809.1, NM_014646.2); short protein forms R517H.
Identifiers: ClinVar variation 234338 (VCV000234338.5), dbSNP rs756933588, ClinGen allele CA8873070.

ClinVar aggregate classification (germline): Pathogenic/Likely pathogenic. Review status: criteria provided, multiple submitters, no conflicts (2 of 4 stars). 2 submissions from 2 submitters: Pathogenic (1); Likely pathogenic (1). Last evaluated 2024-08-28.

Conditions:
Majeed syndrome (MJDS). Also called: LPIN2-Related Majeed Syndrome; CHRONIC RECURRENT MULTIFOCAL OSTEOMYELITIS 1, WITH CONGENITAL DYSERYTHROPOIETIC ANEMIA, WITH OR WITHOUT NEUTROPHILIC DERMATOSIS. Identifiers: Orphanet 77297, MedGen C1864997, MONDO:0012316, OMIM 609628.

Allele frequency attached by ClinVar (database versions not stated): gnomAD exomes below 0.00001 and 0.00001; TOPMed 0.00001; ExAC 0.00002; gnomAD 0.00003.
gnomAD v4.1: 7 of 1,557,622 alleles (0.00045%); highest among the groups gnomAD compares: African/African-American, 0.0054%; no homozygotes.

Submissions (2):

Revvity Omics, Revvity
Classification: Likely pathogenic for Majeed syndrome. Last evaluated: 2024-08-28. Review status: criteria provided, single submitter. Criteria: ACMG Guidelines, 2015. Collection method: clinical testing. Allele origin: germline.

GeneDx
Classification: Pathogenic. Last evaluated: 2022-02-17. Review status: criteria provided, single submitter. Criteria: GeneDx Variant Classification Process June 2021. Collection method: clinical testing. Allele origin: germline. Affected: yes.
Comment: Alters the last nucleotide of the exon and is predicted to destroy the splice donor site and result in aberrant splicing; Published functional studies demonstrate variant results in aberrant splicing (Bhuyan F et al., 2021); This variant is associated with the following publications: (PMID: 33314777, 33670882)